The following is an entry in ClinVar:

ClinVar aggregate classification (germline): Pathogenic. Review status: criteria provided, multiple submitters, no conflicts (2 of 4 stars). 3 submissions from 3 submitters: Pathogenic (3). Last evaluated 2024-10-01.

Conditions:
RPGR-related disorder. Also called: RPGR-related condition.
Primary ciliary dyskinesia. Also called: Ciliary dyskinesia. Identifiers: Orphanet 244, MedGen C0008780, MONDO:0016575, HP:0012265.

Submissions (3):

Blueprint Genetics
Classification: Pathogenic for RPGR-related disorders. Last evaluated: 2024-10-01. Review status: criteria provided, single submitter. Criteria: ACMG Guidelines, 2015. Collection method: clinical testing. Allele origin: germline. Affected: yes. Observed: 4 variant alleles.

Labcorp Genetics (formerly Invitae), Labcorp
Classification: Pathogenic for Primary ciliary dyskinesia. Last evaluated: 2023-10-29. Review status: criteria provided, single submitter. Criteria: Invitae Variant Classification Sherloc (09022015). Collection method: clinical testing. Allele origin: germline.
Comment: This sequence change creates a premature translational stop signal (p.Glu989Glyfs*100) in the RPGR (ORF15) gene. While this is not anticipated to result in nonsense mediated decay, it is expected to disrupt the last 164 amino acid(s) of the RPGR (ORF15) protein. This variant is not present in population databases (gnomAD no frequency). This variant has not been reported in the literature in individuals affected with RPGR (ORF15)-related conditions. ClinVar contains an entry for this variant (Variation ID: 975123). This variant disrupts a region of the RPGR (ORF15) protein in which other variant(s) (p.Leu1130Lysfs*13) have been determined to be pathogenic (PMID: 22264887; Invitae). This suggests that this is a clinically significant region of the protein, and that variants that disrupt it are likely to be disease-causing. For these reasons, this variant has been classified as Pathogenic.

CeGaT Center for Human Genetics Tuebingen
Classification: Pathogenic. Last evaluated: 2020-02-01. Review status: criteria provided, single submitter. Criteria: CeGaT Center For Human Genetics Tuebingen Variant Classification Criteria Version 2. Collection method: clinical testing. Allele origin: germline. Affected: yes. Observed: 1 variant allele.

Literature cited by the submitters: PubMed 22264887 (cited by Labcorp Genetics (formerly Invitae), Labcorp).

NM_001034853.2(RPGR):c.2966del (p.Glu989fs)

Gene: RPGR (retinitis pigmentosa GTPase regulator; minus strand). Cytogenetic location: Xp11.4.
Variant type: Deletion.
Coding change: c.2966del on transcript NM_001034853.2 (MANE Select); coding-DNA position 2966, one base deleted (A; older notation c.2966delA).
Protein change: p.Glu989fs; shifts the reading frame from glutamic acid 989.
Molecular consequence: frameshift variant. On other transcripts: intron variant (8).
Genome position (GRCh38, 1-based): chrX:38,286,033, T deleted on the plus strand (A on the coding strand, the reverse complement: RPGR is on the minus strand). VCF-style (leftmost placement, unchanged base first): chrX-38286032-CT-C. GRCh37 (hg19) VCF-style: chrX-38145285-CT-C.
Other names: c.1569+4926del (NM_001367249.1, NM_001367250.1); c.1902+1061del (NM_001367245.1); c.1386+4926del (NM_001367251.1); c.1719+1061del (NM_001367246.1); c.1572+4926del (NM_001367247.1); c.1905+1061del (NM_000328.3); c.1602+4926del (NM_001367248.1); short protein forms E989fs.
Identifiers: ClinVar variation 975123 (VCV000975123.38), dbSNP rs2067134850, ClinGen allele CA1139667407.